The following is an entry in ClinVar:

NM_021625.5(TRPV4):c.210G>T (p.Lys70Asn)

Gene: TRPV4 (transient receptor potential cation channel subfamily V member 4; minus strand). Cytogenetic location: 12q24.11.
Variant type: single nucleotide variant.
Coding change: c.210G>T on transcript NM_021625.5 (MANE Select); coding-DNA position 210, G replaced by T.
Protein change: p.Lys70Asn; replaces lysine 70 with asparagine.
Molecular consequence: missense variant.
Genome position (GRCh38, 1-based): chr12:109,814,587, C>A on the plus strand (G>T on the coding strand, the complement: TRPV4 is on the minus strand). VCF-style: chr12-109814587-C-A. GRCh37 (hg19) VCF-style: chr12-110252392-C-A.
Other names: c.210G>T, p.Lys70Asn (NM_001177428.2, NM_001177433.2, NM_147204.3); c.108G>T, p.Lys36Asn (NM_001177431.2); short protein forms K36N, K70N.
Identifiers: ClinVar variation 4803082 (VCV004803082.1).

ClinVar aggregate classification (germline): Uncertain significance (1 of 4 stars; one submission).

Conditions:
Charcot-Marie-Tooth disease axonal type 2C (HMSN2C). Also called: Charcot-Marie-Tooth Disease Type 2, TRPV4-Related (CMT2C); CHARCOT-MARIE-TOOTH DISEASE, AXONAL, AUTOSOMAL DOMINANT, TYPE 2C; Charcot-Marie-Tooth Neuropathy Type 2C. Identifiers: Orphanet 99937, MedGen C1853710, MONDO:0011633, OMIM 606071.

Submission:

Labcorp Genetics (formerly Invitae), Labcorp
Classification: Uncertain significance for Charcot-Marie-Tooth disease axonal type 2C. Last evaluated: 2026-01-12. Review status: criteria provided, single submitter. Criteria: Invitae Variant Classification Sherloc (09022015). Collection method: clinical testing. Allele origin: germline.
Comment: This sequence change replaces lysine, which is basic and polar, with asparagine, which is neutral and polar, at codon 70 of the TRPV4 protein (p.Lys70Asn). This variant is not present in population databases (gnomAD no frequency). This variant has not been reported in the literature in individuals affected with TRPV4-related conditions. Invitae Evidence Modeling of protein sequence and biophysical properties (such as structural, functional, and spatial information, amino acid conservation, physicochemical variation, residue mobility, and thermodynamic stability) has been performed for this missense variant. However, the output from this modeling did not meet the statistical confidence thresholds required to predict the impact of this variant on TRPV4 protein function. Algorithms developed to predict the effect of sequence changes on RNA splicing suggest that this variant may create or strengthen a splice site. In summary, the available evidence is currently insufficient to determine the role of this variant in disease. Therefore, it has been classified as a Variant of Uncertain Significance.